The following is an entry in ClinVar:

ClinVar aggregate classification (germline): Uncertain significance (1 of 4 stars; one submission).

Conditions:
MHC class II deficiency. Also called: Bare lymphocyte syndrome 2; BLS, TYPE II. Identifiers: Orphanet 572, MedGen C5447452, MONDO:0008855.

Allele frequency attached by ClinVar (database versions not stated): TOPMed below 0.00001; gnomAD 0.00001.

Submission:

Labcorp Genetics (formerly Invitae), Labcorp
Classification: Uncertain significance for MHC class II deficiency. Last evaluated: 2022-07-03. Review status: criteria provided, single submitter. Criteria: Invitae Variant Classification Sherloc (09022015). Collection method: clinical testing. Allele origin: germline.
Comment: This sequence change replaces serine, which is neutral and polar, with cysteine, which is neutral and slightly polar, at codon 513 of the CIITA protein (p.Ser513Cys). This variant is not present in population databases (gnomAD no frequency). This variant has not been reported in the literature in individuals affected with CIITA-related conditions. Algorithms developed to predict the effect of missense changes on protein structure and function output the following: SIFT: "Tolerated"; PolyPhen-2: "Benign"; Align-GVGD: "Class C0". The cysteine amino acid residue is found in multiple mammalian species, which suggests that this missense change does not adversely affect protein function. In summary, the available evidence is currently insufficient to determine the role of this variant in disease. Therefore, it has been classified as a Variant of Uncertain Significance.

NM_000246.4(CIITA):c.1537A>T (p.Ser513Cys)

Gene: CIITA (class II major histocompatibility complex transactivator; plus strand). Cytogenetic location: 16p13.13.
Variant type: single nucleotide variant.
Coding change: c.1537A>T on transcript NM_000246.4 (MANE Select); coding-DNA position 1537, A replaced by T.
Protein change: p.Ser513Cys; replaces serine 513 with cysteine.
Molecular consequence: missense variant. On other transcripts: intron variant (1).
Genome position (GRCh38, 1-based): chr16:10,907,029, A>T. VCF-style: chr16-10907029-A-T. GRCh37 (hg19) VCF-style: chr16-11000886-A-T.
Other names: c.1540A>T, p.Ser514Cys (NM_001286402.1, NM_001379332.1); c.1393A>T, p.Ser465Cys (NM_001379330.1); c.1390A>T, p.Ser464Cys (NM_001379331.1); c.1537A>T, p.Ser513Cys (NM_001379333.1); c.1468A>T, p.Ser490Cys (NM_001379334.1); c.860-1954A>T (NM_001286403.2); short protein forms S464C, S490C, S465C, S513C, S514C.
Identifiers: ClinVar variation 1976475 (VCV001976475.2), dbSNP rs1411227191, ClinGen allele CA394730996.